The following is an entry in ClinVar:

NM_005529.7(HSPG2):c.11760_11762del (p.Cys3921del)

Gene: HSPG2 (heparan sulfate proteoglycan 2; minus strand). Cytogenetic location: 1p36.12.
Variant type: Deletion.
Coding change: c.11760_11762del on transcript NM_005529.7 (MANE Select); coding-DNA positions 11760 to 11762, 3 bases deleted (GTG; older notation c.11760_11762delGTG).
Protein change: p.Cys3921del; deletes cysteine 3921.
Molecular consequence: inframe deletion.
Genome position (GRCh38, 1-based): chr1:21,830,001-21,830,003, CAC deleted on the plus strand (GTG on the coding strand, the reverse complement: HSPG2 is on the minus strand); deleting any 3 consecutive bases within chr1:21,830,001-21,830,004 gives the same sequence; the c. name uses the placement nearest the transcript's 3' end. VCF-style (leftmost placement, unchanged base first): chr1-21830000-ACAC-A. GRCh37 (hg19) VCF-style: chr1-22156493-ACAC-A.
Other names: c.11763_11765del, p.Cys3922del (NM_001291860.2); short protein forms C3921del, C3922del.
Identifiers: ClinVar variation 288168 (VCV000288168.10), dbSNP rs886043819, ClinGen allele CA10605990.

ClinVar aggregate classification (germline): Uncertain significance. Review status: criteria provided, multiple submitters, no conflicts (2 of 4 stars). 2 submissions from 2 submitters: Uncertain significance (2). Last evaluated 2022-07-12.

Submissions (2):

Labcorp Genetics (formerly Invitae), Labcorp
Classification: Uncertain significance. Last evaluated: 2022-07-12. Review status: criteria provided, single submitter. Criteria: Invitae Variant Classification Sherloc (09022015). Collection method: clinical testing. Allele origin: germline.
Comment: In summary, the available evidence is currently insufficient to determine the role of this variant in disease. Therefore, it has been classified as a Variant of Uncertain Significance. Algorithms developed to predict the effect of sequence changes on RNA splicing suggest that this variant may create or strengthen a splice site. ClinVar contains an entry for this variant (Variation ID: 288168). This variant has not been reported in the literature in individuals affected with HSPG2-related conditions. This variant is not present in population databases (gnomAD no frequency). This variant, c.11760_11762del, results in the deletion of 1 amino acid(s) of the HSPG2 protein (p.Cys3921del), but otherwise preserves the integrity of the reading frame.

Eurofins Ntd Llc (ga)
Classification: Uncertain significance. Last evaluated: 2016-07-01. Review status: criteria provided, single submitter. Criteria: EGL Classification Definitions 2015. Collection method: clinical testing. Allele origin: germline. Observed: 1 variant allele, 1 heterozygote.